The following is an entry in ClinVar:

ClinVar aggregate classification (germline): Uncertain significance (1 of 4 stars; one submission).

gnomAD v4.1: 1 of 1,578,896 alleles (0.000063%); highest among the groups gnomAD compares: Non-Finnish European, 0.000086%; no homozygotes.

Submission:

GeneDx
Classification: Uncertain significance. Last evaluated: 2023-05-04. Review status: criteria provided, single submitter. Criteria: GeneDx Variant Classification Process June 2021. Collection method: clinical testing. Allele origin: germline. Affected: yes.
Comment: Not observed at significant frequency in large population cohorts (gnomAD); In silico analysis supports that this missense variant does not alter protein structure/function; Has not been previously published as pathogenic or benign to our knowledge

NM_001330078.2(NRXN1):c.2831A>T (p.Tyr944Phe)

Gene: NRXN1 (neurexin 1; minus strand). Cytogenetic location: 2p16.3.
Variant type: single nucleotide variant.
Coding change: c.2831A>T on transcript NM_001330078.2 (MANE Select); coding-DNA position 2831, A replaced by T.
Protein change: p.Tyr944Phe; replaces tyrosine 944 with phenylalanine.
Molecular consequence: missense variant.
Genome position (GRCh38, 1-based): chr2:50,497,381, T>A on the plus strand (A>T on the coding strand, the complement: NRXN1 is on the minus strand). VCF-style: chr2-50497381-T-A. GRCh37 (hg19) VCF-style: chr2-50724519-T-A.
Other names: c.2951A>T, p.Tyr984Phe (NM_001135659.3); c.2807A>T, p.Tyr936Phe (NM_001330077.2, NM_001330082.2); c.2765A>T, p.Tyr922Phe (NM_001330083.2, NM_001330084.2); c.2804A>T, p.Tyr935Phe (NM_001330085.2); c.2831A>T, p.Tyr944Phe (NM_001330086.2, NM_004801.6); c.2720A>T, p.Tyr907Phe (NM_001330087.2, NM_001330096.2); c.2750A>T, p.Tyr917Phe (NM_001330088.2); c.2828A>T, p.Tyr943Phe (NM_001330093.2); and 2 more; short protein forms Y907F, Y917F, Y922F, Y927F, Y935F, Y936F, Y940F, Y943F.
Identifiers: ClinVar variation 3343256 (VCV003343256.1).